The following is an entry in ClinVar:

ClinVar aggregate classification (germline): Uncertain significance. Review status: criteria provided, multiple submitters, no conflicts (2 of 4 stars). 2 submissions from 2 submitters: Uncertain significance (2). Last evaluated 2024-01-24.

Conditions:
Hereditary insensitivity to pain with anhidrosis (CIPA). Also called: HSAN Type IV; FAMILIAL DYSAUTONOMIA, TYPE II; hereditary sensory and autonomic neuropathy type 4; NTRK1 Congenital Insensitivity to Pain with Anhidrosis; NEUROPATHY, CONGENITAL SENSORY, WITH ANHIDROSIS; INSENSITIVITY TO PAIN, CONGENITAL, WITH ANHIDROSIS. Identifiers: Orphanet 642, MedGen C0020074, MONDO:0009746, OMIM 256800.

Allele frequency attached by ClinVar (database versions not stated): gnomAD exomes below 0.00001; ExAC 0.00001; gnomAD 0.00001; TOPMed 0.00002.
gnomAD v4.1: 10 of 1,611,514 alleles (0.00062%); highest among the groups gnomAD compares: East Asian, 0.011%; no homozygotes.

Submissions (2):

Labcorp Genetics (formerly Invitae), Labcorp
Classification: Uncertain significance for Hereditary insensitivity to pain with anhidrosis. Last evaluated: 2024-01-24. Review status: criteria provided, single submitter. Criteria: Invitae Variant Classification Sherloc (09022015). Collection method: clinical testing. Allele origin: germline.
Comment: This sequence change replaces histidine, which is basic and polar, with arginine, which is basic and polar, at codon 766 of the NTRK1 protein (p.His766Arg). The frequency data for this variant in the population databases is considered unreliable, as metrics indicate poor data quality at this position in the gnomAD database. This variant has not been reported in the literature in individuals affected with NTRK1-related conditions. ClinVar contains an entry for this variant (Variation ID: 2043724). Advanced modeling of protein sequence and biophysical properties (such as structural, functional, and spatial information, amino acid conservation, physicochemical variation, residue mobility, and thermodynamic stability) performed at Invitae indicates that this missense variant is not expected to disrupt NTRK1 protein function with a negative predictive value of 95%. In summary, the available evidence is currently insufficient to determine the role of this variant in disease. Therefore, it has been classified as a Variant of Uncertain Significance.

Department of Pathology and Laboratory Medicine, Sinai Health System
Classification: Uncertain significance for Hereditary insensitivity to pain with anhidrosis. Last evaluated: 2023-01-17. Review status: criteria provided, single submitter. Criteria: ACMG Guidelines, 2015. Collection method: research. Allele origin: germline.

NM_002529.4(NTRK1):c.2315A>G (p.His772Arg)

Gene: NTRK1 (neurotrophic receptor tyrosine kinase 1; plus strand). Cytogenetic location: 1q23.1.
Variant type: single nucleotide variant.
Coding change: c.2315A>G on transcript NM_002529.4 (MANE Select); coding-DNA position 2315, A replaced by G.
Protein change: p.His772Arg; replaces histidine 772 with arginine.
Molecular consequence: missense variant.
Genome position (GRCh38, 1-based): chr1:156,881,566, A>G. VCF-style: chr1-156881566-A-G. GRCh37 (hg19) VCF-style: chr1-156851358-A-G.
Other names: c.2315A>G, p.His772Arg (NM_001007204.1); c.2207A>G, p.His736Arg (NM_001007792.1); c.2297A>G, p.His766Arg (NM_001012331.2); short protein forms H736R, H766R, H772R.
Identifiers: ClinVar variation 2043724 (VCV002043724.3), dbSNP rs757985119, ClinGen allele CA1169631.